The following is an entry in ClinVar:

NM_001260.3(CDK8):c.398A>G (p.Tyr133Cys)

Gene: CDK8 (cyclin dependent kinase 8; plus strand). Cytogenetic location: 13q12.13.
Variant type: single nucleotide variant.
Coding change: c.398A>G on transcript NM_001260.3 (MANE Select); coding-DNA position 398, A replaced by G.
Protein change: p.Tyr133Cys; replaces tyrosine 133 with cysteine.
Molecular consequence: missense variant. On other transcripts: 5 prime UTR variant (1).
Genome position (GRCh38, 1-based): chr13:26,353,822, A>G. VCF-style: chr13-26353822-A-G. GRCh37 (hg19) VCF-style: chr13-26927959-A-G.
Other names: c.398A>G, p.Tyr133Cys (NM_001318368.2); c.-64A>G (NM_001346501.2); short protein forms Y133C.
Identifiers: ClinVar variation 3234070 (VCV003234070.1), dbSNP rs2542409134, ClinGen allele CA387683932.

ClinVar aggregate classification (germline): Uncertain significance (1 of 4 stars; one submission).

Conditions:
Intellectual developmental disorder with hypotonia and behavioral abnormalities. Identifiers: MedGen C5231489, MONDO:0032897, OMIM 618748.

Allele frequency attached by ClinVar (database versions not stated): gnomAD exomes below 0.00001.

Submission:

MVZ Medizinische Genetik Mainz
Classification: Uncertain significance for Intellectual developmental disorder with hypotonia and behavioral abnormalities. Last evaluated: 2023-11-21. Review status: criteria provided, single submitter. Criteria: UK Practice Guidelines For Variant Classification V4 01 2020. Collection method: clinical testing. Allele origin: germline. Inheritance: Autosomal dominant inheritance. Affected: yes. Observed: 1 variant allele.
Comment: ACMG Criteria: PM2_SUP,PP2